The following is an entry in ClinVar:

ClinVar aggregate classification (germline): Conflicting classifications of pathogenicity. Review status: criteria provided, conflicting classifications (1 of 4 stars). 3 submissions from 3 submitters: Uncertain significance (2); Likely benign (1). Last evaluated 2023-08-15.

Conditions:
Breast-ovarian cancer, familial, susceptibility to, 2 (BROVCA2). Also called: BRCA2 Hereditary Breast and Ovarian Cancer. Identifiers: Orphanet 145, MedGen C2675520, MONDO:0012933, OMIM 612555. Disease mechanism: loss of function.
Hereditary cancer-predisposing syndrome. Also called: Hereditary Cancer Syndrome; Hereditary neoplastic syndrome; Neoplastic Syndromes, Hereditary; Tumor predisposition. Identifiers: Orphanet 140162, MedGen C0027672, MeSH D009386, MONDO:0015356.
Hereditary breast ovarian cancer syndrome. Also called: Breast and ovarian cancer; Hereditary breast and/or ovarian cancer syndrome; Hereditary breast and ovarian cancer syndrome; Hereditary breast and ovarian cancer syndrome (HBOC); BRCA1- and BRCA2-Associated Hereditary Breast and Ovarian Cancer; Hereditary breast and ovarian cancer. Identifiers: Orphanet 145, MedGen C0677776, MeSH D061325, MONDO:0003582. Disease mechanism: loss of function.

Submissions (3):

All of Us Research Program, National Institutes of Health
Classification: Uncertain significance for Breast-ovarian cancer, familial, susceptibility to, 2. Last evaluated: 2023-08-15. Review status: criteria provided, single submitter. Criteria: ACMG Guidelines, 2015. Collection method: clinical testing. Allele origin: germline. Inheritance: Autosomal dominant inheritance. Observed: 2 variant alleles, 2 heterozygotes.
Comment: This missense variant replaces glutamic acid with glutamine at codon 597 of the BRCA2 protein. Computational prediction suggests that this variant may not impact protein structure and function (internally defined REVEL score threshold <= 0.5, PMID: 27666373). To our knowledge, functional studies have not been reported for this variant. This variant has not been reported in individuals affected with hereditary cancer in the literature. This variant has not been identified in the general population by the Genome Aggregation Database (gnomAD). The available evidence is insufficient to determine the role of this variant in disease conclusively. Therefore, this variant is classified as a Variant of Uncertain Significance.

This study involves interpretation of variants in research participants for the purpose of population health screening. Participant phenotype was not available at the time of variant classification. Additional details can be found in publication PMID: 35346344, PMCID: PMC8962531

University of Washington Department of Laboratory Medicine, University of Washington
Classification: Likely benign for Hereditary cancer-predisposing syndrome. Last evaluated: 2023-03-23. Review status: criteria provided, single submitter. Criteria: Dines et al. (Genet Med. 2020). Collection method: curation. Allele origin: germline.
Comment: Missense variant in a coldspot region where missense variants are very unlikely to be pathogenic (PMID:31911673).

BRCA2 exon 10 coldspot. Reclassification based on statistical prior probability.

Labcorp Genetics (formerly Invitae), Labcorp
Classification: Uncertain significance for Hereditary breast ovarian cancer syndrome. Last evaluated: 2022-10-16. Review status: criteria provided, single submitter. Criteria: Invitae Variant Classification Sherloc (09022015). Collection method: clinical testing. Allele origin: germline.
Comment: This sequence change replaces glutamic acid, which is acidic and polar, with glutamine, which is neutral and polar, at codon 597 of the BRCA2 protein (p.Glu597Gln). In summary, the available evidence is currently insufficient to determine the role of this variant in disease. Therefore, it has been classified as a Variant of Uncertain Significance. Advanced modeling of protein sequence and biophysical properties (such as structural, functional, and spatial information, amino acid conservation, physicochemical variation, residue mobility, and thermodynamic stability) performed at Invitae indicates that this missense variant is not expected to disrupt BRCA2 protein function. This variant has not been reported in the literature in individuals affected with BRCA2-related conditions. This variant is not present in population databases (gnomAD no frequency).

NM_000059.4(BRCA2):c.1789G>C (p.Glu597Gln)

Gene: BRCA2 (BRCA2 DNA repair associated; plus strand). Cytogenetic location: 13q13.1.
Variant type: single nucleotide variant.
Coding change: c.1789G>C on transcript NM_000059.4 (MANE Select); coding-DNA position 1789, G replaced by C.
Protein change: p.Glu597Gln; replaces glutamic acid 597 with glutamine.
Molecular consequence: missense variant.
Genome position (GRCh38, 1-based): chr13:32,333,267, G>C. VCF-style: chr13-32333267-G-C. GRCh37 (hg19) VCF-style: chr13-32907404-G-C.
Other names: c.1789G>C, p.Glu597Gln (NM_001406719.1, NM_001406720.1, NM_001406721.1); short protein forms E597Q.
Identifiers: ClinVar variation 1721748 (VCV001721748.8), dbSNP rs80358461, ClinGen allele CA387765760.